The following is an entry in ClinVar:

NM_006904.7(PRKDC):c.2998A>C (p.Lys1000Gln)

Gene: PRKDC (protein kinase, DNA-activated, catalytic subunit; minus strand). Cytogenetic location: 8q11.21.
Variant type: single nucleotide variant.
Coding change: c.2998A>C on transcript NM_006904.7 (MANE Select); coding-DNA position 2998, A replaced by C.
Protein change: p.Lys1000Gln; replaces lysine 1000 with glutamine.
Molecular consequence: missense variant.
Genome position (GRCh38, 1-based): chr8:47,904,913, T>G on the plus strand (A>C on the coding strand, the complement: PRKDC is on the minus strand). VCF-style: chr8-47904913-T-G. GRCh37 (hg19) VCF-style: chr8-48817473-T-G.
Other names: c.2998A>C, p.Lys1000Gln (NM_001081640.2); short protein forms K1000Q.
Identifiers: ClinVar variation 1466913 (VCV001466913.8), dbSNP rs2154502453, ClinGen allele CA371157378.
Genomic context (GRCh38, chr8:47,904,913, plus strand): 5'-ATCAACTATTACTTACCAATATAGCTTCTAGTAAGGCAACAGTATCCTGACTTTCAAATT[T>G]CTTGTTGTTAGTGAACCAGTGAATCAGCTGCATAACTAGTGGCTCATACAGTTGCCTTGT-3'
Protein context (NP_008835.5, residues 990-1010): QLIHWFTNNK[Lys1000Gln]FESQDTVALL

ClinVar aggregate classification (germline): Uncertain significance. Review status: criteria provided, multiple submitters, no conflicts (2 of 4 stars). 2 submissions from 2 submitters: Uncertain significance (2). Last evaluated 2023-12-07.

Conditions:
Severe combined immunodeficiency due to DNA-PKcs deficiency. Also called: Immunodeficiency 26 with or without neurologic abnormalities; IMMUNODEFICIENCY 26 WITH NEUROLOGIC ABNORMALITIES. Identifiers: Orphanet 317425, MedGen C4014833, MONDO:0014423, OMIM 615966.

Submissions (2):

Labcorp Genetics (formerly Invitae), Labcorp
Classification: Uncertain significance for Severe combined immunodeficiency due to DNA-PKcs deficiency. Last evaluated: 2023-12-07. Review status: criteria provided, single submitter. Criteria: Invitae Variant Classification Sherloc (09022015). Collection method: clinical testing. Allele origin: germline.
Comment: This sequence change replaces lysine, which is basic and polar, with glutamine, which is neutral and polar, at codon 1000 of the PRKDC protein (p.Lys1000Gln). This variant is not present in population databases (gnomAD no frequency). This variant has not been reported in the literature in individuals affected with PRKDC-related conditions. ClinVar contains an entry for this variant (Variation ID: 1466913). Advanced modeling of protein sequence and biophysical properties (such as structural, functional, and spatial information, amino acid conservation, physicochemical variation, residue mobility, and thermodynamic stability) performed at Invitae indicates that this missense variant is not expected to disrupt PRKDC protein function with a negative predictive value of 80%. In summary, the available evidence is currently insufficient to determine the role of this variant in disease. Therefore, it has been classified as a Variant of Uncertain Significance.

Ambry Genetics
Classification: Uncertain significance. Last evaluated: 2022-08-13. Review status: criteria provided, single submitter. Criteria: Ambry Variant Classification Scheme 2023. Collection method: clinical testing. Allele origin: germline.
Comment: The p.K1000Q variant (also known as c.2998A>C), located in coding exon 26 of the PRKDC gene, results from an A to C substitution at nucleotide position 2998. The lysine at codon 1000 is replaced by glutamine, an amino acid with similar properties. This amino acid position is conserved. In addition, this alteration is predicted to be tolerated by in silico analysis. Since supporting evidence is limited at this time, the clinical significance of this alteration remains unclear.